The following is an entry in ClinVar:

NM_004380.3(CREBBP):c.2650G>C (p.Ala884Pro)

Gene: CREBBP (CREB binding lysine acetyltransferase; minus strand). Cytogenetic location: 16p13.3.
Variant type: single nucleotide variant.
Coding change: c.2650G>C on transcript NM_004380.3 (MANE Select); coding-DNA position 2650, G replaced by C.
Protein change: p.Ala884Pro; replaces alanine 884 with proline.
Molecular consequence: missense variant.
Genome position (GRCh38, 1-based): chr16:3,770,800, C>G on the plus strand (G>C on the coding strand, the complement: CREBBP is on the minus strand). VCF-style: chr16-3770800-C-G. GRCh37 (hg19) VCF-style: chr16-3820801-C-G.
Other names: c.2536G>C, p.Ala846Pro (NM_001079846.1); short protein forms A846P, A884P.
Identifiers: ClinVar variation 3344467 (VCV003344467.1).

ClinVar aggregate classification (germline): Uncertain significance (0 of 4 stars; one submission).

Conditions:
CREBBP-related disorder. Also called: CREBBP-related condition; CREBBP-related disorders.

Submission:

PreventionGenetics, part of Exact Sciences
Classification: Uncertain significance for CREBBP-related condition. Last evaluated: 2024-05-02. Review status: no assertion criteria provided. Collection method: clinical testing. Allele origin: germline.
Comment: The CREBBP c.2650G>C variant is predicted to result in the amino acid substitution p.Ala884Pro. To our knowledge, this variant has not been reported in the literature or in a large population database, indicating this variant is rare. At this time, the clinical significance of this variant is uncertain due to the absence of conclusive functional and genetic evidence.